The following is an entry in ClinVar:

ClinVar aggregate classification (germline): Uncertain significance (1 of 4 stars; one submission).

Conditions:
Proteinuria, chronic benign. Identifiers: MedGen C5394384, MONDO:0030042, OMIM 618884.

gnomAD v4.1: 2 of 1,614,078 alleles (0.00012%); highest among the groups gnomAD compares: Non-Finnish European, 0.00017%; no homozygotes.

Submission:

MVZ Medizinische Genetik Mainz
Classification: Uncertain significance for Proteinuria, chronic benign. Last evaluated: 2026-06-26. Review status: criteria provided, single submitter. Criteria: UK Practice Guidelines For Variant Classification V4 01 2020. Collection method: clinical testing. Allele origin: germline. Inheritance: Autosomal recessive inheritance. Affected: yes. Observed: 1 variant allele.
Comment: ACMG Criteria: PM1_SUP,PM2_SUP,PM3_SUP,PP4,BP4_MOD

NM_001081.4(CUBN):c.8699C>T (p.Ala2900Val)

Gene: CUBN (cubilin; minus strand). Cytogenetic location: 10p13.
Variant type: single nucleotide variant.
Coding change: c.8699C>T on transcript NM_001081.4 (MANE Select); coding-DNA position 8699, C replaced by T.
Protein change: p.Ala2900Val; replaces alanine 2900 with valine.
Molecular consequence: missense variant.
Genome position (GRCh38, 1-based): chr10:16,890,427, G>A on the plus strand (C>T on the coding strand, the complement: CUBN is on the minus strand). VCF-style: chr10-16890427-G-A. GRCh37 (hg19) VCF-style: chr10-16932426-G-A.
Other names: short protein forms A2900V.
Identifiers: ClinVar variation 4879852 (VCV004879852.1).